The following is an entry in ClinVar:

ClinVar aggregate classification (germline): Uncertain significance (1 of 4 stars; one submission).

Submission:

Labcorp Genetics (formerly Invitae), Labcorp
Classification: Uncertain significance. Last evaluated: 2021-05-17. Review status: criteria provided, single submitter. Criteria: Invitae Variant Classification Sherloc (09022015). Collection method: clinical testing. Allele origin: germline.
Comment: This variant has not been reported in the literature in individuals with RASA2-related conditions. In summary, the available evidence is currently insufficient to determine the role of this variant in disease. Therefore, it has been classified as a Variant of Uncertain Significance. Algorithms developed to predict the effect of missense changes on protein structure and function (SIFT, PolyPhen-2, Align-GVGD) all suggest that this variant is likely to be tolerated, but these predictions have not been confirmed by published functional studies and their clinical significance is uncertain. This variant is not present in population databases (ExAC no frequency). This sequence change replaces arginine with lysine at codon 831 of the RASA2 protein (p.Arg831Lys). The arginine residue is weakly conserved and there is a small physicochemical difference between arginine and lysine.

NM_006506.5(RASA2):c.2492G>A (p.Arg831Lys)

Gene: RASA2 (RAS p21 protein activator 2; plus strand). Cytogenetic location: 3q23.
Variant type: single nucleotide variant.
Coding change: c.2492G>A on transcript NM_006506.5 (MANE Select); coding-DNA position 2492, G replaced by A.
Protein change: p.Arg831Lys; replaces arginine 831 with lysine.
Molecular consequence: missense variant.
Genome position (GRCh38, 1-based): chr3:141,610,039, G>A. VCF-style: chr3-141610039-G-A. GRCh37 (hg19) VCF-style: chr3-141328881-G-A.
Other names: c.2495G>A, p.Arg832Lys (NM_001303245.3); c.2504G>A, p.Arg835Lys (NM_001303246.3); short protein forms R832K, R831K, R835K.
Identifiers: ClinVar variation 1491565 (VCV001491565.8), dbSNP rs2107803413, ClinGen allele CA354778034.